The following is an entry in ClinVar:

ClinVar aggregate classification (germline): Uncertain significance (1 of 4 stars; one submission).

Conditions:
Dystonic disorder. Also called: Dystonia. Identifiers: MedGen C0013421, MONDO:0003441, HP:0001332.

Allele frequency attached by ClinVar (database versions not stated): gnomAD 0.00001.
gnomAD v4.1: 3 of 1,612,878 alleles (0.00019%); highest among the groups gnomAD compares: Admixed American, 0.0033%; no homozygotes.

Submission:

Labcorp Genetics (formerly Invitae), Labcorp
Classification: Uncertain significance for Dystonic disorder. Last evaluated: 2022-12-29. Review status: criteria provided, single submitter. Criteria: Invitae Variant Classification Sherloc (09022015). Collection method: clinical testing. Allele origin: germline.
Comment: This sequence change replaces glutamine, which is neutral and polar, with histidine, which is basic and polar, at codon 408 of the CIZ1 protein (p.Gln408His). This variant is present in population databases (no rsID available, gnomAD 0.003%). This variant has not been reported in the literature in individuals affected with CIZ1-related conditions. Algorithms developed to predict the effect of missense changes on protein structure and function are either unavailable or do not agree on the potential impact of this missense change (SIFT: "Deleterious"; PolyPhen-2: "Possibly Damaging"; Align-GVGD: "Class C0"). In summary, the available evidence is currently insufficient to determine the role of this variant in disease. Therefore, it has been classified as a Variant of Uncertain Significance.

NM_001131016.2(CIZ1):c.1224G>T (p.Gln408His)

Gene: CIZ1 (CDKN1A interacting zinc finger protein 1; minus strand). Cytogenetic location: 9q34.11.
Variant type: single nucleotide variant.
Coding change: c.1224G>T on transcript NM_001131016.2 (MANE Select); coding-DNA position 1224, G replaced by T.
Protein change: p.Gln408His; replaces glutamine 408 with histidine.
Molecular consequence: missense variant. On other transcripts: intron variant (3).
Genome position (GRCh38, 1-based): chr9:128,178,983, C>A on the plus strand (G>T on the coding strand, the complement: CIZ1 is on the minus strand). VCF-style: chr9-128178983-C-A. GRCh37 (hg19) VCF-style: chr9-130941262-C-A.
Other names: c.1314G>T, p.Gln438His (NM_001257975.2); c.921G>T, p.Gln307His (NM_001257976.2); c.1224G>T, p.Gln408His (NM_012127.3); c.1135-79G>T (NM_001131015.2); c.1063-79G>T (NM_001131018.2); c.1120-79G>T (NM_001131017.2); short protein forms Q307H, Q438H, Q408H.
Identifiers: ClinVar variation 2791922 (VCV002791922.3), dbSNP rs1378493068, ClinGen allele CA375027201.